The following is an entry in ClinVar:

ClinVar aggregate classification (germline): Uncertain significance (1 of 4 stars; one submission).

Conditions:
Neuropathy, hereditary sensory and autonomic, type 2A (HSAN2A). Also called: ACROOSTEOLYSIS, GIACCAI TYPE; ACROOSTEOLYSIS, NEUROGENIC; WNK1-Related HSAN2 (HSAN2A); MORVAN DISEASE; NEUROPATHY, CONGENITAL SENSORY; NEUROPATHY, HEREDITARY SENSORY RADICULAR, AUTOSOMAL RECESSIVE. Identifiers: Orphanet 970, MedGen C2752089, MONDO:0024309, OMIM 201300.
Generalized epilepsy with febrile seizures plus, type 7 (GEFSP7). Also called: GEFS+, TYPE 7. Identifiers: Orphanet 36387, MedGen C2751778, MONDO:0013470, OMIM 613863.

Submission:

Labcorp Genetics (formerly Invitae), Labcorp
Classification: Uncertain significance for Neuropathy, hereditary sensory and autonomic, type 2A; Generalized epilepsy with febrile seizures plus, type 7. Last evaluated: 2024-09-17. Review status: criteria provided, single submitter. Criteria: Invitae Variant Classification Sherloc (09022015). Collection method: clinical testing. Allele origin: germline.
Comment: This sequence change replaces serine, which is neutral and polar, with glycine, which is neutral and non-polar, at codon 620 of the SCN9A protein (p.Ser620Gly). This variant is not present in population databases (gnomAD no frequency). This variant has not been reported in the literature in individuals affected with SCN9A-related conditions. Invitae Evidence Modeling of protein sequence and biophysical properties (such as structural, functional, and spatial information, amino acid conservation, physicochemical variation, residue mobility, and thermodynamic stability) indicates that this missense variant is not expected to disrupt SCN9A protein function with a negative predictive value of 95%. In summary, the available evidence is currently insufficient to determine the role of this variant in disease. Therefore, it has been classified as a Variant of Uncertain Significance.

NM_001365536.1(SCN9A):c.1858A>G (p.Ser620Gly)

Genes: SCN9A (sodium voltage-gated channel alpha subunit 9; minus strand), SCN1A-AS1 (SCN1A and SCN9A antisense RNA 1; plus strand). Cytogenetic location: 2q24.3.
Variant type: single nucleotide variant.
Coding change: c.1858A>G on transcript NM_001365536.1 (MANE Select); coding-DNA position 1858, A replaced by G.
Protein change: p.Ser620Gly; replaces serine 620 with glycine.
Molecular consequence: missense variant.
Genome position (GRCh38, 1-based): chr2:166,284,569, T>C on the plus strand (A>G on the coding strand, the complement: SCN9A is on the minus strand). VCF-style: chr2-166284569-T-C. GRCh37 (hg19) VCF-style: chr2-167141079-T-C.
Other names: c.1858A>G, p.Ser620Gly (NM_002977.4); short protein forms S620G.
Identifiers: ClinVar variation 3758862 (VCV003758862.2).